The following is an entry in ClinVar:

NM_052874.5(STX1B):c.106-20T>G

Gene: STX1B (syntaxin 1B; minus strand). Cytogenetic location: 16p11.2.
Variant type: single nucleotide variant.
Coding change: c.106-20T>G on transcript NM_052874.5 (MANE Select); 20 bases into the intron before coding-DNA position 106, T replaced by G.
Molecular consequence: intron variant.
Genome position (GRCh38, 1-based): chr16:31,001,213, A>C on the plus strand (T>G on the coding strand, the complement: STX1B is on the minus strand). VCF-style: chr16-31001213-A-C. GRCh37 (hg19) VCF-style: chr16-31012534-A-C.
Identifiers: ClinVar variation 2802072 (VCV002802072.3), dbSNP rs2543967220, ClinGen allele CA2739266729.

ClinVar aggregate classification (germline): Uncertain significance (1 of 4 stars; one submission).

Conditions:
Generalized epilepsy with febrile seizures plus, type 9 (GEFSP9). Also called: GEFS+, TYPE 9. Identifiers: Orphanet 36387, MedGen C4015395, MONDO:0014517, OMIM 616172.

Submission:

Labcorp Genetics (formerly Invitae), Labcorp
Classification: Uncertain significance for Generalized epilepsy with febrile seizures plus, type 9. Last evaluated: 2023-01-14. Review status: criteria provided, single submitter. Criteria: Invitae Variant Classification Sherloc (09022015). Collection method: clinical testing. Allele origin: germline.
Comment: Algorithms developed to predict the effect of sequence changes on RNA splicing suggest that this variant may disrupt the consensus splice site. In summary, the available evidence is currently insufficient to determine the role of this variant in disease. Therefore, it has been classified as a Variant of Uncertain Significance. This variant has not been reported in the literature in individuals affected with STX1B-related conditions. This variant is not present in population databases (gnomAD no frequency). This sequence change falls in intron 2 of the STX1B gene. It does not directly change the encoded amino acid sequence of the STX1B protein.